The following is an entry in ClinVar:

NM_031483.7(ITCH):c.361C>T (p.Gln121Ter)

Gene: ITCH (itchy E3 ubiquitin protein ligase; plus strand). Cytogenetic location: 20q11.22.
Variant type: single nucleotide variant.
Coding change: c.361C>T on transcript NM_031483.7 (MANE Select); coding-DNA position 361, C replaced by T.
Protein change: p.Gln121Ter; replaces glutamine 121 with a stop codon.
Molecular consequence: nonsense.
Genome position (GRCh38, 1-based): chr20:34,413,765, C>T. VCF-style: chr20-34413765-C-T. GRCh37 (hg19) VCF-style: chr20-33001571-C-T.
Other names: c.361C>T, p.Gln121Ter (NM_001257137.3, NM_001324197.2, NM_001324198.2); c.31C>T, p.Gln11Ter (NM_001257138.3); short protein forms Q11*, Q121*.
Identifiers: ClinVar variation 3670935 (VCV003670935.2).

ClinVar aggregate classification (germline): Pathogenic (1 of 4 stars; one submission).

Conditions:
Syndromic multisystem autoimmune disease due to ITCH deficiency. Also called: AUTOIMMUNE DISEASE, MULTISYSTEM, WITH FACIAL DYSMORPHISM. Identifiers: Orphanet 228426, MedGen C3150649, MONDO:0013245, OMIM 613385.

Submission:

Labcorp Genetics (formerly Invitae), Labcorp
Classification: Pathogenic for Syndromic multisystem autoimmune disease due to ITCH deficiency. Last evaluated: 2024-07-20. Review status: criteria provided, single submitter. Criteria: Invitae Variant Classification Sherloc (09022015). Collection method: clinical testing. Allele origin: germline.
Comment: This sequence change creates a premature translational stop signal (p.Gln121*) in the ITCH gene. It is expected to result in an absent or disrupted protein product. Loss-of-function variants in ITCH are known to be pathogenic (PMID: 20170897). This variant is not present in population databases (gnomAD no frequency). This variant has not been reported in the literature in individuals affected with ITCH-related conditions. For these reasons, this variant has been classified as Pathogenic.

Literature cited by the submitters: PubMed 20170897.